The following is an entry in ClinVar:

ClinVar aggregate classification (germline): Uncertain significance (1 of 4 stars; one submission).

Allele frequency attached by ClinVar (database versions not stated): gnomAD exomes below 0.00001; TOPMed 0.00001.
gnomAD v4.1: 1 of 1,610,432 alleles (0.000062%); highest among the groups gnomAD compares: African/African-American, 0.0013%; no homozygotes.

Submission:

GeneDx
Classification: Uncertain significance. Last evaluated: 2022-11-27. Review status: criteria provided, single submitter. Criteria: GeneDx Variant Classification Process June 2021. Collection method: clinical testing. Allele origin: germline. Affected: yes.
Comment: Not observed at significant frequency in large population cohorts (gnomAD); In silico analysis supports that this missense variant has a deleterious effect on protein structure/function; In silico analysis suggests this variant may impact gene splicing. In the absence of RNA/functional studies, the actual effect of this sequence change is unknown.; Has not been previously published as pathogenic or benign to our knowledge

NM_001085458.2(CTNND1):c.2427C>A (p.Asn809Lys)

Genes: CTNND1 (catenin delta 1; plus strand), TMX2-CTNND1 (TMX2-CTNND1 readthrough (NMD candidate); plus strand). Cytogenetic location: 11q12.1.
Variant type: single nucleotide variant.
Coding change: c.2427C>A on transcript NM_001085458.2 (MANE Select); coding-DNA position 2427, C replaced by A.
Protein change: p.Asn809Lys; replaces asparagine 809 with lysine.
Molecular consequence: missense variant. On other transcripts: non-coding transcript variant (1).
Genome position (GRCh38, 1-based): chr11:57,809,458, C>A. VCF-style: chr11-57809458-C-A. GRCh37 (hg19) VCF-style: chr11-57576930-C-A.
Other names: c.2409C>A, p.Asn803Lys (NM_001085459.2, NM_001085460.2, NM_001085461.2 and 2 more transcripts); c.2124C>A, p.Asn708Lys (NM_001085463.2, NM_001085466.2); c.2106C>A, p.Asn702Lys (NM_001085464.2, NM_001085465.2, NM_001085467.2 and 3 more transcripts); c.2265C>A, p.Asn755Lys (NM_001206883.2, NM_001206884.2); c.2427C>A, p.Asn809Lys (NM_001206885.2); c.2247C>A, p.Asn749Lys (NM_001206886.2, NM_001206887.2, NM_001206888.2 and 2 more transcripts); short protein forms N702K, N708K, N749K, N755K, N803K, N809K.
Identifiers: ClinVar variation 2503231 (VCV002503231.1), dbSNP rs2063072039, ClinGen allele CA380730290.